The following is an entry in ClinVar:

ClinVar aggregate classification (germline): Uncertain significance (1 of 4 stars; one submission).

Conditions:
Hereditary cancer-predisposing syndrome. Also called: Tumor predisposition; Hereditary Cancer Syndrome; Hereditary neoplastic syndrome; Neoplastic Syndromes, Hereditary. Identifiers: Orphanet 140162, MedGen C0027672, MeSH D009386, MONDO:0015356.

Submission:

Ambry Genetics
Classification: Uncertain significance for Hereditary cancer-predisposing syndrome. Last evaluated: 2023-07-18. Review status: criteria provided, single submitter. Criteria: Ambry Variant Classification Scheme 2023. Collection method: clinical testing. Allele origin: germline.
Comment: The p.I189M variant (also known as c.567C>G), located in coding exon 5 of the SMARCB1 gene, results from a C to G substitution at nucleotide position 567. The isoleucine at codon 189 is replaced by methionine, an amino acid with highly similar properties. This amino acid position is highly conserved in available vertebrate species. In addition, this alteration is predicted to be deleterious by in silico analysis. Missense and in-frame variants in SMARCB1 are known to cause neurodevelopmental disorders; however, such associations with rhabdoid tumor predisposition syndrome are exceedingly rare (Kosho T et al. Am J Med Genet C Semin Med Genet. 2014 Sep;166C(3):262-75; Eaton KW et al. Pediatr Blood Cancer. 2011 Jan;56(1):7-15). Since supporting evidence is limited at this time, the clinical significance of this alteration remains unclear.

NM_003073.5(SMARCB1):c.567C>G (p.Ile189Met)

Gene: SMARCB1 (SWI/SNF related BAF chromatin remodeling complex subunit B1; plus strand). Cytogenetic location: 22q11.23.
Variant type: single nucleotide variant.
Coding change: c.567C>G on transcript NM_003073.5 (MANE Select); coding-DNA position 567, C replaced by G.
Protein change: p.Ile189Met; replaces isoleucine 189 with methionine.
Molecular consequence: missense variant.
Genome position (GRCh38, 1-based): chr22:23,803,361, C>G. VCF-style: chr22-23803361-C-G. GRCh37 (hg19) VCF-style: chr22-24145548-C-G.
Other names: c.540C>G, p.Ile180Met (NM_001007468.3); c.594C>G, p.Ile198Met (NM_001317946.2); c.621C>G, p.Ile207Met (NM_001362877.2); short protein forms I198M, I180M, I207M, I189M.
Identifiers: ClinVar variation 2624836 (VCV002624836.2), dbSNP rs2145982901, ClinGen allele CA410935795.